The following is an entry in ClinVar:

ClinVar aggregate classification (germline): Uncertain significance (1 of 4 stars; one submission).

Allele frequency attached by ClinVar (database versions not stated): gnomAD exomes 0.00001; TOPMed 0.00001; gnomAD 0.00002.

Submission:

Labcorp Genetics (formerly Invitae), Labcorp
Classification: Uncertain significance. Last evaluated: 2022-10-24. Review status: criteria provided, single submitter. Criteria: Invitae Variant Classification Sherloc (09022015). Collection method: clinical testing. Allele origin: germline.
Comment: This sequence change replaces valine, which is neutral and non-polar, with alanine, which is neutral and non-polar, at codon 113 of the COQ2 protein (p.Val113Ala). This variant is present in population databases (no rsID available, gnomAD 0.02%). This variant has not been reported in the literature in individuals affected with COQ2-related conditions. ClinVar contains an entry for this variant (Variation ID: 1390570). Algorithms developed to predict the effect of missense changes on protein structure and function are either unavailable or do not agree on the potential impact of this missense change (SIFT: "Deleterious"; PolyPhen-2: "Benign"; Align-GVGD: "Class C15"). In summary, the available evidence is currently insufficient to determine the role of this variant in disease. Therefore, it has been classified as a Variant of Uncertain Significance.

NM_001358921.2(COQ2):c.188T>C (p.Val63Ala)

Genes: COQ2 (coenzyme Q2, polyprenyltransferase; minus strand), LOC112997540 (Sharpr-MPRA regulatory region 13773; plus strand). Cytogenetic location: 4q21.23.
Variant type: single nucleotide variant.
Coding change: c.188T>C on transcript NM_001358921.2 (MANE Select); coding-DNA position 188, T replaced by C.
Protein change: p.Val63Ala; replaces valine 63 with alanine.
Molecular consequence: missense variant.
Genome position (GRCh38, 1-based): chr4:83,284,577, A>G on the plus strand (T>C on the coding strand, the complement: COQ2 is on the minus strand). VCF-style: chr4-83284577-A-G. GRCh37 (hg19) VCF-style: chr4-84205730-A-G.
Other names: c.338T>C, p.Val113Ala (NM_015697.9); short protein forms V113A, V63A.
Identifiers: ClinVar variation 1390570 (VCV001390570.6), dbSNP rs1324955436, ClinGen allele CA357230904.